The following is an entry in ClinVar:

ClinVar aggregate classification (germline): Uncertain significance. Review status: criteria provided, single submitter (1 of 4 stars). 2 submissions from 2 submitters: Uncertain significance (1). 1 of the submissions does not count toward it. Last evaluated 2017-09-13.

Conditions:
Merosin deficient congenital muscular dystrophy (MDC1A). Also called: Congenital Muscular Dystrophy Type 1A (MDC1A); Congenital merosin-deficient muscular dystrophy 1A. Identifiers: Orphanet 258, MedGen C1263858, MONDO:0011925, OMIM 607855.

Submissions (2):

GeneDx
Classification: Uncertain significance. Last evaluated: 2017-09-13. Review status: criteria provided, single submitter. Criteria: GeneDx Variant Classification (06012015). Collection method: clinical testing. Allele origin: germline. Affected: yes.
Comment: The L685P variant has been previously reported as a polymorphism with a frequency of 2.4% (Tezak et al., 2003). However, the L685P variant is not observed in large population cohorts (Lek et al., 2016). This variant is a semi-conservative amino acid substitution, which may impact secondary protein structure as these residues differ in some properties. This substitution occurs at a position that is conserved across species, and in silico analysis predicts this variant is probably damaging to the protein structure/function.

Biochemical Molecular Genetic Laboratory, King Abdulaziz Medical City
Classification: Likely pathogenic for Merosin deficient congenital muscular dystrophy. Last evaluated: 2019-09-26. Review status: no assertion criteria provided. Collection method: clinical testing. Allele origin: germline. Affected: yes. Not counted in ClinVar's aggregate classification.

NM_000426.4(LAMA2):c.2054T>C (p.Leu685Pro)

Gene: LAMA2 (laminin subunit alpha 2; plus strand). Cytogenetic location: 6q22.33.
Variant type: single nucleotide variant.
Coding change: c.2054T>C on transcript NM_000426.4 (MANE Select); coding-DNA position 2054, T replaced by C.
Protein change: p.Leu685Pro; replaces leucine 685 with proline.
Molecular consequence: missense variant.
Genome position (GRCh38, 1-based): chr6:129,252,253, T>C. VCF-style: chr6-129252253-T-C. GRCh37 (hg19) VCF-style: chr6-129573398-T-C.
Other names: c.2054T>C, p.Leu685Pro (NM_001079823.2); short protein forms L685P.
Identifiers: ClinVar variation 451986 (VCV000451986.3), dbSNP rs746641607, ClinGen allele CA365610550.